The following is an entry in ClinVar:

NM_138927.4(SON):c.6200C>T (p.Ala2067Val)

Gene: SON (SON DNA and RNA binding protein; plus strand). Cytogenetic location: 21q22.11.
Variant type: single nucleotide variant.
Coding change: c.6200C>T on transcript NM_138927.4 (MANE Select); coding-DNA position 6200, C replaced by T.
Protein change: p.Ala2067Val; replaces alanine 2067 with valine.
Molecular consequence: missense variant. On other transcripts: non-coding transcript variant (1).
Genome position (GRCh38, 1-based): chr21:33,557,195, C>T. VCF-style: chr21-33557195-C-T. GRCh37 (hg19) VCF-style: chr21-34929501-C-T.
Other names: c.6200C>T, p.Ala2067Val (NM_001291411.2, NM_032195.3); c.284C>T, p.Ala95Val (NM_001291412.3); short protein forms A2067V, A95V.
Identifiers: ClinVar variation 3375716 (VCV003375716.1).

ClinVar aggregate classification (germline): Uncertain significance (1 of 4 stars; one submission).

Submission:

GeneDx
Classification: Uncertain significance. Last evaluated: 2024-05-10. Review status: criteria provided, single submitter. Criteria: GeneDx Variant Classification Process June 2021. Collection method: clinical testing. Allele origin: germline. Affected: yes.
Comment: Not observed at significant frequency in large population cohorts (gnomAD); In silico analysis indicates that this missense variant does not alter protein structure/function; Has not been previously published as pathogenic or benign to our knowledge